The following is an entry in ClinVar:

NM_001009944.3(PKD1):c.2661G>A (p.Trp887Ter)

Gene: PKD1 (polycystin 1, transient receptor potential channel interacting; minus strand). Cytogenetic location: 16p13.3.
Variant type: single nucleotide variant.
Coding change: c.2661G>A on transcript NM_001009944.3 (MANE Select); coding-DNA position 2661, G replaced by A.
Protein change: p.Trp887Ter; replaces tryptophan 887 with a stop codon.
Molecular consequence: nonsense.
Genome position (GRCh38, 1-based): chr16:2,114,362, C>T on the plus strand (G>A on the coding strand, the complement: PKD1 is on the minus strand). VCF-style: chr16-2114362-C-T. GRCh37 (hg19) VCF-style: chr16-2164363-C-T.
Other names: c.2661G>A, p.Trp887Ter (NM_000296.4); short protein forms W887*.
Identifiers: ClinVar variation 3777359 (VCV003777359.4).

ClinVar aggregate classification (germline): Pathogenic/Likely pathogenic. Review status: criteria provided, multiple submitters, no conflicts (2 of 4 stars). 3 submissions from 3 submitters: Pathogenic (1); Likely pathogenic (2). Last evaluated 2026-06-16.

Conditions:
PKD1-related disorder. Also called: PKD1-related condition.
Polycystic kidney disease, adult type (PKD1). Also called: Polycystic Kidney Disease 1, Autosomal Dominant; Polycystic kidney disease 1; Polycystic kidney disease 1, severe; POLYCYSTIC KIDNEY DISEASE 1 WITH OR WITHOUT POLYCYSTIC LIVER DISEASE; POLYCYSTIC KIDNEY DISEASE, ADULT, TYPE I; Polycystic Kidney, Autosomal Dominant. Identifiers: MedGen C3149841, MONDO:0008263, OMIM 173900.

Submissions (3):

GeneDx
Classification: Pathogenic. Last evaluated: 2026-06-16. Review status: criteria provided, single submitter. Criteria: GeneDx Variant Classification Process June 2021. Collection method: clinical testing. Allele origin: germline.
Comment: Nonsense variant predicted to result in protein truncation or nonsense mediated decay in a gene for which loss of function is a known mechanism of disease; Not observed at significant frequency in large population cohorts (gnomAD); Has not been previously published as pathogenic or benign to our knowledge

3billion
Classification: Likely pathogenic for Polycystic kidney disease, adult type. Last evaluated: 2025-01-08. Review status: criteria provided, single submitter. Criteria: ACMG Guidelines, 2015. Collection method: clinical testing. Allele origin: germline. Affected: yes.
Comment: The variant is not observed in the gnomAD v4.1.0 dataset. Predicted Consequence/Location: Stop-gained (nonsense): predicted to result in a loss or disruption of normal protein function through nonsense-mediated decay (NMD) or protein truncation. Multiple pathogenic variants are reported downstream of the variant. Therefore, this variant is classified as Likely pathogenic according to the recommendation of ACMG/AMP guideline.

Blueprint Genetics
Classification: Likely pathogenic for PKD1-related disorders. Last evaluated: 2023-08-04. Review status: criteria provided, single submitter. Criteria: ACMG Guidelines, 2015. Collection method: clinical testing. Allele origin: germline. Affected: yes. Observed: 1 variant allele.